The following is an entry in ClinVar:

ClinVar aggregate classification (germline): Uncertain significance (1 of 4 stars; one submission).

Conditions:
COG1 congenital disorder of glycosylation (CDG2G). Also called: CDG IIg; CDGII/COG1 CEREBROCOSTOMANDIBULAR-LIKE SYNDROME; CONGENITAL DISORDER OF GLYCOSYLATION, TYPE IIg. Identifiers: Orphanet 263508, MedGen C2931011, MONDO:0012637, OMIM 611209.

Allele frequency attached by ClinVar (database versions not stated): ExAC 0.00001; gnomAD 0.00001 and 0.00002; gnomAD exomes 0.00001; TOPMed 0.00001; ESP Exome Variant Server 0.00008; 1000 Genomes Project 30x 0.00016; 1000 Genomes Project 0.00020.

Submission:

Labcorp Genetics (formerly Invitae), Labcorp
Classification: Uncertain significance for COG1 congenital disorder of glycosylation. Last evaluated: 2025-08-21. Review status: criteria provided, single submitter. Criteria: Invitae Variant Classification Sherloc (09022015). Collection method: clinical testing. Allele origin: germline.
Comment: This sequence change replaces isoleucine, which is neutral and non-polar, with threonine, which is neutral and polar, at codon 849 of the COG1 protein (p.Ile849Thr). This variant is present in population databases (rs138801104, gnomAD 0.003%). This variant has not been reported in the literature in individuals affected with COG1-related conditions. ClinVar contains an entry for this variant (Variation ID: 1404304). Invitae Evidence Modeling of protein sequence and biophysical properties (such as structural, functional, and spatial information, amino acid conservation, physicochemical variation, residue mobility, and thermodynamic stability) indicates that this missense variant is expected to disrupt COG1 protein function with a positive predictive value of 80%. In summary, the available evidence is currently insufficient to determine the role of this variant in disease. Therefore, it has been classified as a Variant of Uncertain Significance.

NM_018714.3(COG1):c.2546T>C (p.Ile849Thr)

Gene: COG1 (component of oligomeric golgi complex 1; plus strand). Cytogenetic location: 17q25.1.
Variant type: single nucleotide variant.
Coding change: c.2546T>C on transcript NM_018714.3 (MANE Select); coding-DNA position 2546, T replaced by C.
Protein change: p.Ile849Thr; replaces isoleucine 849 with threonine.
Molecular consequence: missense variant.
Genome position (GRCh38, 1-based): chr17:73,206,189, T>C. VCF-style: chr17-73206189-T-C. GRCh37 (hg19) VCF-style: chr17-71202328-T-C.
Other names: short protein forms I849T.
Identifiers: ClinVar variation 1404304 (VCV001404304.6), dbSNP rs138801104, ClinGen allele CA8740510.
Genomic context (GRCh38, chr17:73,206,189, plus strand): 5'-GTAATGATCCTAATCCTTTTCTCAGAATTGAGAAAGTGACTGACCACCTGGAAGCCCTCA[T>C]TGATCCATTTGACCTGGACGTTTTCACGCCACACCTCAACAGCAACCTTCATCGCCTGGT-3'
Protein context (NP_061184.1, residues 839-859): EKVTDHLEAL[Ile849Thr]DPFDLDVFTP